The following is an entry in ClinVar:

ClinVar aggregate classification (germline): Uncertain significance (1 of 4 stars; one submission).

Submission:

Mayo Clinic Laboratories, Mayo Clinic
Classification: Uncertain significance. Last evaluated: 2023-08-29. Review status: criteria provided, single submitter. Criteria: ACMG Guidelines, 2015. Collection method: clinical testing. Allele origin: germline. Observed: 1 variant allele.
Comment: PP3, PM2_moderate

NM_001127222.2(CACNA1A):c.4203A>T (p.Lys1401Asn)

Genes: CACNA1A (calcium voltage-gated channel subunit alpha1 A; minus strand), LOC126862864 (MED14-independent group 3 enhancer GRCh37_chr19:13371552-13372751; plus strand). Cytogenetic location: 19p13.13.
Variant type: single nucleotide variant.
Coding change: c.4203A>T on transcript NM_001127222.2 (MANE Select); coding-DNA position 4203, A replaced by T.
Protein change: p.Lys1401Asn; replaces lysine 1401 with asparagine.
Molecular consequence: missense variant.
Genome position (GRCh38, 1-based): chr19:13,261,497, T>A on the plus strand (A>T on the coding strand, the complement: CACNA1A is on the minus strand). VCF-style: chr19-13261497-T-A. GRCh37 (hg19) VCF-style: chr19-13372311-T-A.
Other names: p.Lys1402Asn; c.4215A>T, p.Lys1405Asn (NM_000068.4, NM_023035.3); c.4206A>T, p.Lys1402Asn (NM_001127221.2, NM_001174080.2); short protein forms K1401N, K1402N, K1405N.
Identifiers: ClinVar variation 3380589 (VCV003380589.1).